The following is an entry in ClinVar:

ClinVar aggregate classification (germline): Uncertain significance. Review status: criteria provided, multiple submitters, no conflicts (2 of 4 stars). 2 submissions from 2 submitters: Uncertain significance (2). Last evaluated 2022-04-29.

Conditions:
Intellectual developmental disorder, autosomal dominant 39. Also called: Mental retardation, autosomal dominant 39; Intellectual disability, autosomal dominant 39. Identifiers: MedGen C4225296, MONDO:0014678, OMIM 616521.

Allele frequency attached by ClinVar (database versions not stated): gnomAD exomes 0.00001 and below 0.00001.
gnomAD v4.1: 12 of 1,581,272 alleles (0.00076%); highest among the groups gnomAD compares: Non-Finnish European, 0.00086%; no homozygotes.

Submissions (2):

Institute of Human Genetics, Clinical Exome/Genome Diagnostics Group, University Hospital Bonn
Classification: Uncertain significance for Intellectual developmental disorder, autosomal dominant 39. Last evaluated: 2022-04-29. Review status: criteria provided, single submitter. Criteria: ACMG Guidelines, 2015. Collection method: clinical testing. Allele origin: germline.

GeneDx
Classification: Uncertain significance. Last evaluated: 2021-08-30. Review status: criteria provided, single submitter. Criteria: GeneDx Variant Classification Process June 2021. Collection method: clinical testing. Allele origin: germline. Affected: yes.
Comment: Has not been previously published as pathogenic or benign to our knowledge; In silico analysis supports that this missense variant has a deleterious effect on protein structure/function

NM_001303052.2(MYT1L):c.1631A>G (p.His544Arg)

Gene: MYT1L (myelin transcription factor 1 like; minus strand). Cytogenetic location: 2p25.3.
Variant type: single nucleotide variant.
Coding change: c.1631A>G on transcript NM_001303052.2 (MANE Select); coding-DNA position 1631, A replaced by G.
Protein change: p.His544Arg; replaces histidine 544 with arginine.
Molecular consequence: missense variant.
Genome position (GRCh38, 1-based): chr2:1,912,098, T>C on the plus strand (A>G on the coding strand, the complement: MYT1L is on the minus strand). VCF-style: chr2-1912098-T-C. GRCh37 (hg19) VCF-style: chr2-1915870-T-C.
Other names: c.1631A>G, p.His544Arg (NM_001329844.2, NM_001329845.1, NM_001329851.3); c.1625A>G, p.His542Arg (NM_001329846.3, NM_001329847.2, NM_001329848.1 and 3 more transcripts); short protein forms H542R, H544R.
Identifiers: ClinVar variation 1315561 (VCV001315561.3), dbSNP rs1219808741, ClinGen allele CA345701325.
Genomic context (GRCh38, chr2:1,912,098, plus strand): 5'-TTGCTGTTGACATGCCCGCGCCCCGTGCAGCCCGGAGTGGGGCACTTGAGGACACTTTCA[T>C]GCATGGCAAGGACTTGACAGGGAGAGGCAAAGAGAACAGCCAGTGTTAAAACAGAGGCAC-3'
Protein context (NP_001289981.1, residues 534-554): DRVPPEILAM[His544Arg]ESVLKCPTPG